The following is an entry in ClinVar:

NM_139281.3(WDR36):c.1452A>G (p.Gly484=)

Gene: WDR36 (WD repeat domain 36; plus strand). Cytogenetic location: 5q22.1.
Variant type: single nucleotide variant.
Coding change: c.1452A>G on transcript NM_139281.3 (MANE Select); coding-DNA position 1452, A replaced by G.
Protein change: p.Gly484=; no amino-acid change (glycine 484 retained).
Molecular consequence: synonymous variant.
Genome position (GRCh38, 1-based): chr5:111,110,798, A>G. VCF-style: chr5-111110798-A-G. GRCh37 (hg19) VCF-style: chr5-110446497-A-G.
Identifiers: ClinVar variation 4978336 (VCV004978336.1).
Genomic context (GRCh38, chr5:111,110,798, plus strand): 5'-GAAACACTGCCAATTCTGATTTTTTTTTTCTTTTGACATCTACCTTACAGCTCACAAGGG[A>G]TCTGTTAGAGGTGTCGCAGTGGATGGATTAAACCAGTTGACAGTTACAACTGGTAGTGAA-3'
Protein context (NP_644810.2, residues 474-494): GSFGKDQAHK[Gly484=]SVRGVAVDGL

ClinVar aggregate classification (germline): Likely benign (1 of 4 stars; one submission).

Conditions:
WDR36-related disorder. Also called: WDR36-related condition.

Submission:

PreventionGenetics, part of Exact Sciences
Classification: Likely benign for WDR36-related condition. Last evaluated: 2025-02-08. Review status: criteria provided, single submitter. Criteria: ACMG Guidelines, 2015. Collection method: clinical testing. Allele origin: germline.
Comment: This variant is classified as likely benign based on ACMG/AMP sequence variant interpretation guidelines (Richards et al. 2015 PMID: 25741868, with internal and published modifications).